The following is an entry in ClinVar:

ClinVar aggregate classification (germline): Uncertain significance (1 of 4 stars; one submission).

Submission:

Ambry Genetics
Classification: Uncertain significance. Last evaluated: 2023-11-02. Review status: criteria provided, single submitter. Criteria: Ambry Variant Classification Scheme 2023. Collection method: clinical testing. Allele origin: germline.
Comment: The p.A45V variant (also known as c.134C>T), located in coding exon 1 of the GALNT12 gene, results from a C to T substitution at nucleotide position 134. The alanine at codon 45 is replaced by valine, an amino acid with similar properties. This amino acid position is conserved. In addition, this alteration is predicted to be tolerated by in silico analysis. Since supporting evidence is limited at this time, the clinical significance of this alteration remains unclear.

NM_024642.5(GALNT12):c.134C>T (p.Ala45Val)

Gene: GALNT12 (polypeptide N-acetylgalactosaminyltransferase 12; plus strand). Cytogenetic location: 9q22.33.
Variant type: single nucleotide variant.
Coding change: c.134C>T on transcript NM_024642.5 (MANE Select); coding-DNA position 134, C replaced by T.
Protein change: p.Ala45Val; replaces alanine 45 with valine.
Molecular consequence: missense variant.
Genome position (GRCh38, 1-based): chr9:98,807,832, C>T. VCF-style: chr9-98807832-C-T. GRCh37 (hg19) VCF-style: chr9-101570114-C-T.
Other names: short protein forms A45V.
Identifiers: ClinVar variation 3227916 (VCV003227916.1), dbSNP rs1588436153, ClinGen allele CA374222367.